The following is an entry in ClinVar:

NC_000017.10:g.(?_2573437)_(2585096_?)del

Gene: PAFAH1B1 (platelet activating factor acetylhydrolase 1b regulatory subunit 1; plus strand). Cytogenetic location: 17p13.3.
Variant type: Deletion.
Identifiers: ClinVar variation 1497374 (VCV001497374.6).

ClinVar aggregate classification (germline): Likely pathogenic (1 of 4 stars; one submission).

Submission:

Labcorp Genetics (formerly Invitae), Labcorp
Classification: Likely pathogenic. Last evaluated: 2021-05-08. Review status: criteria provided, single submitter. Criteria: Invitae Variant Classification Sherloc (09022015). Collection method: clinical testing. Allele origin: germline.
Comment: In summary, the currently available evidence indicates that the variant is pathogenic, but additional data are needed to prove that conclusively. Therefore, this variant has been classified as Likely Pathogenic. This variant disrupts the p.Ser167 amino acid residue in PAFAH1B1. Other variant(s) that disrupt this residue have been determined to be pathogenic (PMID:10441340, 12885786). This suggests that this residue is clinically significant, and that variants that disrupt this residue are likely to be disease-causing. This variant has been observed in individual(s) with clinical features of PAFAH1B1-related conditions (PMID: 21410694). This variant is a gross deletion of the genomic region encompassing exon(s) 6-11 of the PAFAH1B1 gene. The 5' boundary is likely confined to intron 5. The 3' end of this event is unknown as it extends through the termination codon beyond the assayed region for this gene and may encompass additional genes. While this deletion is not anticipated to lead to nonsense mediated decay, it is expected to alter mRNA translation or result in a truncated protein product.

Literature cited by the submitters: PubMed 10441340; PubMed 12885786; PubMed 21410694.